The following is an entry in ClinVar:

NM_000169.3(GLA):c.1041dup (p.Ala348fs)

Genes: GLA (galactosidase alpha; minus strand), RPL36A-HNRNPH2 (RPL36A-HNRNPH2 readthrough; plus strand). Cytogenetic location: Xq22.1.
Variant type: Duplication.
Coding change: c.1041dup on transcript NM_000169.3 (MANE Select); coding-DNA position 1041, one base duplicated (A; older notation c.1041dupA).
Protein change: p.Ala348fs; shifts the reading frame from alanine 348.
Molecular consequence: frameshift variant. On other transcripts: non-coding transcript variant (3), intron variant (2).
Genome position (GRCh38, 1-based): chrX:101,398,058, T duplicated on the plus strand (A on the coding strand, the reverse complement: GLA is on the minus strand). VCF-style (leftmost placement, unchanged base first): chrX-101398057-C-CT. GRCh37 (hg19) VCF-style: chrX-100653045-C-CT.
Other names: c.1164dup, p.Ala389fs (NM_001406747.1); c.300+2601dup (NM_001199973.2); c.177+6236dup (NM_001199974.2); short protein forms A348fs, A389fs.
Identifiers: ClinVar variation 4087043 (VCV004087043.2).
Genomic context (GRCh38, chrX:101,398,057, plus strand): 5'-CGATGGTATAAGAGCGAGGTCCACCAATCTCCTGCCGGTTTATCATAGCTACAGCCCAGG[C>CT]TAAGCCTGAGAGAGGTCGTTCCCACACTTCAAAGTTGTCTCCCTGAAAAACCAAGAAAGT-3'

ClinVar aggregate classification (germline): Pathogenic (1 of 4 stars; one submission).

Conditions:
Fabry disease. Also called: ALPHA-GALACTOSIDASE A DEFICIENCY; ANDERSON-FABRY DISEASE; CERAMIDE TRIHEXOSIDASE DEFICIENCY; GLA DEFICIENCY; HEREDITARY DYSTOPIC LIPIDOSIS; Angiokeratoma corporis diffusum. Identifiers: Orphanet 324, MedGen C0002986, MONDO:0010526, OMIM 301500, HP:0001071. Disease mechanism: Fabry disease is due to inactivating mutations in the X-linked GLA gene resulting in deficiency of the enzyme Alpha Galactosidase-A., loss of function.

Submission:

Genomenon, Inc
Classification: Pathogenic for Fabry disease. Last evaluated: 2026-09-08. Review status: criteria provided, single submitter. Criteria: Genomenon Sequence Variant Interpretation Standards - Updated. Collection method: curation. Allele origin: germline. Affected: yes.
Comment: GLA p.Ala348SerfsTer27 (c.1041dup) is a frameshift variant that is predicted to introduce a premature termination codon and result in a truncated or absent protein product. This variant has been observed in at least one proband with clinical features consistent with Fabry disease (PMID:12428061). It is absent or not present at a significant frequency in gnomAD. In conclusion, we classify GLA p.Ala348SerfsTer27 (c.1041dup) as a pathogenic variant.

Literature cited by the submitters: PubMed 12428061.